The following is an entry in ClinVar:

NM_001277115.2(DNAH11):c.11879A>C (p.His3960Pro)

Gene: DNAH11 (dynein axonemal heavy chain 11; plus strand). Cytogenetic location: 7p15.3.
Variant type: single nucleotide variant.
Coding change: c.11879A>C on transcript NM_001277115.2 (MANE Select); coding-DNA position 11879, A replaced by C.
Protein change: p.His3960Pro; replaces histidine 3960 with proline.
Molecular consequence: missense variant.
Genome position (GRCh38, 1-based): chr7:21,868,903, A>C. VCF-style: chr7-21868903-A-C. GRCh37 (hg19) VCF-style: chr7-21908521-A-C.
Other names: c.11900A>C, p.His3967Pro (NM_003777.3); short protein forms H3960P, H3967P.
Identifiers: ClinVar variation 2072513 (VCV002072513.4), dbSNP rs2534038436, ClinGen allele CA366962726.
Genomic context (GRCh38, chr7:21,868,903, plus strand): 5'-CCGTGGTGTATTCTCCCACAGGCAAAAGACTTGGCTTTACAATTGACTCTGGAAAATTCC[A>C]CAATGTGTCTTTAGGACAAGGTCAGGAGACGGTGGCAGAAGTGGCCCTGGAGAAAGCTTC-3'
Protein context (NP_001264044.1, residues 3950-3970): LGFTIDSGKF[His3960Pro]NVSLGQGQET

ClinVar aggregate classification (germline): Uncertain significance (1 of 4 stars; one submission).

Conditions:
Primary ciliary dyskinesia. Also called: Ciliary dyskinesia. Identifiers: Orphanet 244, MedGen C0008780, MONDO:0016575, HP:0012265.

Submission:

Labcorp Genetics (formerly Invitae), Labcorp
Classification: Uncertain significance for Primary ciliary dyskinesia. Last evaluated: 2023-07-29. Review status: criteria provided, single submitter. Criteria: Invitae Variant Classification Sherloc (09022015). Collection method: clinical testing. Allele origin: germline.
Comment: In summary, the available evidence is currently insufficient to determine the role of this variant in disease. Therefore, it has been classified as a Variant of Uncertain Significance. Advanced modeling of protein sequence and biophysical properties (such as structural, functional, and spatial information, amino acid conservation, physicochemical variation, residue mobility, and thermodynamic stability) performed at Invitae indicates that this missense variant is not expected to disrupt DNAH11 protein function. ClinVar contains an entry for this variant (Variation ID: 2072513). This missense change has been observed in individual(s) with clinical features of DNAH11-related condition (Invitae). This variant is not present in population databases (gnomAD no frequency). This sequence change replaces histidine, which is basic and polar, with proline, which is neutral and non-polar, at codon 3960 of the DNAH11 protein (p.His3960Pro).